The following is an entry in ClinVar:

NM_025077.4(TOE1):c.638C>A (p.Thr213Asn)

Gene: TOE1 (target of EGR1, exonuclease; plus strand). Cytogenetic location: 1p34.1.
Variant type: single nucleotide variant.
Coding change: c.638C>A on transcript NM_025077.4 (MANE Select); coding-DNA position 638, C replaced by A.
Protein change: p.Thr213Asn; replaces threonine 213 with asparagine.
Molecular consequence: missense variant.
Genome position (GRCh38, 1-based): chr1:45,342,529, C>A. VCF-style: chr1-45342529-C-A. GRCh37 (hg19) VCF-style: chr1-45808201-C-A.
Other names: short protein forms T213N.
Identifiers: ClinVar variation 1216637 (VCV001216637.9), dbSNP rs575022056, ClinGen allele CA826622.

ClinVar aggregate classification (germline): Uncertain significance. Review status: criteria provided, multiple submitters, no conflicts (2 of 4 stars). 3 submissions from 3 submitters: Uncertain significance (3). Last evaluated 2024-10-04.

Conditions:
Inborn genetic diseases. Identifiers: MedGen C0950123, MeSH D030342.

Allele frequency attached by ClinVar (database versions not stated): TOPMed below 0.00001; gnomAD 0.00003; gnomAD exomes 0.00003 and 0.00004; ExAC 0.00005; 1000 Genomes Project 0.00020; 1000 Genomes Project 30x 0.00047.
gnomAD v4.1: 51 of 1,614,154 alleles (0.0032%); highest among the groups gnomAD compares: South Asian, 0.053%; no homozygotes.

Submissions (3):

Ambry Genetics
Classification: Uncertain significance for Inborn genetic diseases. Last evaluated: 2024-10-04. Review status: criteria provided, single submitter. Criteria: Ambry Variant Classification Scheme 2023. Collection method: clinical testing. Allele origin: germline.

Labcorp Genetics (formerly Invitae), Labcorp
Classification: Uncertain significance. Last evaluated: 2022-08-09. Review status: criteria provided, single submitter. Criteria: Invitae Variant Classification Sherloc (09022015). Collection method: clinical testing. Allele origin: germline.
Comment: In summary, the available evidence is currently insufficient to determine the role of this variant in disease. Therefore, it has been classified as a Variant of Uncertain Significance. Algorithms developed to predict the effect of missense changes on protein structure and function are either unavailable or do not agree on the potential impact of this missense change (SIFT: "Tolerated"; PolyPhen-2: "Probably Damaging"; Align-GVGD: "Class C0"). ClinVar contains an entry for this variant (Variation ID: 1216637). This variant has not been reported in the literature in individuals affected with TOE1-related conditions. This variant is present in population databases (rs575022056, gnomAD 0.04%). This sequence change replaces threonine, which is neutral and polar, with asparagine, which is neutral and polar, at codon 213 of the TOE1 protein (p.Thr213Asn).

GeneDx
Classification: Uncertain significance. Last evaluated: 2021-03-23. Review status: criteria provided, single submitter. Criteria: GeneDx Variant Classification Process June 2021. Collection method: clinical testing. Allele origin: germline. Affected: yes.
Comment: In silico analysis supports that this missense variant has a deleterious effect on protein structure/function; Has not been previously published as pathogenic or benign to our knowledge